The following is an entry in ClinVar:

ClinVar aggregate classification (germline): Uncertain significance (1 of 4 stars; one submission).

Conditions:
Joubert syndrome 15 (JBTS15). Identifiers: Orphanet 475, MedGen C3280897, MONDO:0013763, OMIM 614464.

gnomAD v4.1: 19 of 1,612,022 alleles (0.0012%); highest among the groups gnomAD compares: Non-Finnish European, 0.0014%; no homozygotes.

Submission:

Labcorp Genetics (formerly Invitae), Labcorp
Classification: Uncertain significance for Joubert syndrome 15. Last evaluated: 2022-02-02. Review status: criteria provided, single submitter. Criteria: Invitae Variant Classification Sherloc (09022015). Collection method: clinical testing. Allele origin: germline.
Comment: This sequence change replaces alanine, which is neutral and non-polar, with valine, which is neutral and non-polar, at codon 107 of the CEP41 protein (p.Ala107Val). This variant is present in population databases (rs141025803, gnomAD 0.0009%). This variant has not been reported in the literature in individuals affected with CEP41-related conditions. Algorithms developed to predict the effect of missense changes on protein structure and function output the following: SIFT: "Tolerated"; PolyPhen-2: "Benign"; Align-GVGD: "Class C0". The valine amino acid residue is found in multiple mammalian species, which suggests that this missense change does not adversely affect protein function. In summary, the available evidence is currently insufficient to determine the role of this variant in disease. Therefore, it has been classified as a Variant of Uncertain Significance.

NM_018718.3(CEP41):c.320C>T (p.Ala107Val)

Gene: CEP41 (centrosomal protein 41; minus strand). Cytogenetic location: 7q32.2.
Variant type: single nucleotide variant.
Coding change: c.320C>T on transcript NM_018718.3 (MANE Select); coding-DNA position 320, C replaced by T.
Protein change: p.Ala107Val; replaces alanine 107 with valine.
Molecular consequence: missense variant. On other transcripts: non-coding transcript variant (1).
Genome position (GRCh38, 1-based): chr7:130,404,666, G>A on the plus strand (C>T on the coding strand, the complement: CEP41 is on the minus strand). VCF-style: chr7-130404666-G-A. GRCh37 (hg19) VCF-style: chr7-130044507-G-A.
Other names: c.320C>T, p.Ala107Val (NM_001257158.2); c.272C>T, p.Ala91Val (NM_001257159.2); short protein forms A107V, A91V.
Identifiers: ClinVar variation 1378417 (VCV001378417.5), dbSNP rs141025803, ClinGen allele CA4485604.